The following is an entry in ClinVar:

NM_001085487.3(MYSM1):c.274G>C (p.Asp92His)

Gene: MYSM1 (Myb like, SWIRM and MPN domains 1; minus strand). Cytogenetic location: 1p32.1.
Variant type: single nucleotide variant.
Coding change: c.274G>C on transcript NM_001085487.3 (MANE Select); coding-DNA position 274, G replaced by C.
Protein change: p.Asp92His; replaces aspartic acid 92 with histidine.
Molecular consequence: missense variant.
Genome position (GRCh38, 1-based): chr1:58,690,362, C>G on the plus strand (G>C on the coding strand, the complement: MYSM1 is on the minus strand). VCF-style: chr1-58690362-C-G. GRCh37 (hg19) VCF-style: chr1-59156034-C-G.
Other names: short protein forms D92H.
Identifiers: ClinVar variation 1972986 (VCV001972986.5), dbSNP rs779341703, ClinGen allele CA878095.

ClinVar aggregate classification (germline): Uncertain significance (1 of 4 stars; one submission).

Allele frequency attached by ClinVar (database versions not stated): ExAC 0.00001; gnomAD 0.00001; TOPMed 0.00002.
gnomAD v4.1: 12 of 1,603,690 alleles (0.00075%); highest among the groups gnomAD compares: African/African-American, 0.004%; no homozygotes.

Submission:

Labcorp Genetics (formerly Invitae), Labcorp
Classification: Uncertain significance. Last evaluated: 2024-11-05. Review status: criteria provided, single submitter. Criteria: Invitae Variant Classification Sherloc (09022015). Collection method: clinical testing. Allele origin: germline.
Comment: This sequence change replaces aspartic acid, which is acidic and polar, with histidine, which is basic and polar, at codon 92 of the MYSM1 protein (p.Asp92His). This variant is present in population databases (rs779341703, gnomAD 0.0009%). This variant has not been reported in the literature in individuals affected with MYSM1-related conditions. ClinVar contains an entry for this variant (Variation ID: 1972986). Invitae Evidence Modeling of protein sequence and biophysical properties (such as structural, functional, and spatial information, amino acid conservation, physicochemical variation, residue mobility, and thermodynamic stability) indicates that this missense variant is not expected to disrupt MYSM1 protein function with a negative predictive value of 80%. In summary, the available evidence is currently insufficient to determine the role of this variant in disease. Therefore, it has been classified as a Variant of Uncertain Significance.